The following is an entry in ClinVar:

ClinVar aggregate classification (germline): Pathogenic/Likely pathogenic. Review status: criteria provided, multiple submitters, no conflicts (2 of 4 stars). 4 submissions from 4 submitters: Pathogenic (1); Likely pathogenic (3). Last evaluated 2026-07-17.

Conditions:
Oculocutaneous albinism type 1. Also called: Albinism 1; ALBINISM I. Identifiers: Orphanet 352731, MedGen C0268494, MONDO:0018135. Disease mechanism: loss of function.
Oculocutaneous albinism type 1A (OCA1A). Also called: Albinism, oculocutaneous, type IA. Identifiers: Orphanet 352731, Orphanet 79431, MedGen C4551504, MONDO:0008745, OMIM 203100. Disease mechanism: loss of function.
SKIN/HAIR/EYE PIGMENTATION 3, LIGHT/DARK SKIN (SHEP3). Also called: SKIN/HAIR/EYE PIGMENTATION, VARIATION IN, 3; EYE COLOR 1; EYE COLOR, GREEN/BLUE; SKIN/HAIR/EYE PIGMENTATION 3, BLUE/GREEN EYE COLOR; SKIN/HAIR/EYE PIGMENTATION 3, FRECKLING. Identifiers: MedGen C2677190, OMIM 601800.
Oculocutaneous albinism type 1B (OCA1B). Also called: ALBINISM, OCULOCUTANEOUS, TYPE IB; ALBINISM, YELLOW MUTANT TYPE; YELLOW ALBINISM. Identifiers: Orphanet 352731, Orphanet 352737, Orphanet 79434, MedGen C1847024, MONDO:0011749, OMIM 606952.

Allele frequency attached by ClinVar (database versions not stated): gnomAD exomes below 0.00001 and 0.00001; TOPMed 0.00001.
gnomAD v4.1: 3 of 1,613,402 alleles (0.00019%); highest among the groups gnomAD compares: East Asian, 0.0045%; no homozygotes.

Submissions (4):

Myriad Genetics, Inc.
Classification: Likely pathogenic for Oculocutaneous albinism type 1. Last evaluated: 2026-07-17. Review status: criteria provided, single submitter. Criteria: Myriad Autosomal Dominant, Autosomal Recessive and X-Linked Classification Criteria (2023). Collection method: clinical testing. Allele origin: unknown.
Comment: NM_000372.4(TYR):c.1110G>A(M370I) is a missense variant classified as likely pathogenic in the context of oculocutaneous albinism, TYR-related. M370I has been observed in cases with relevant disease (PMID: 21541274, 41428507). Relevant functional assessments of this variant are not available in the literature. M370I has been observed in referenced population frequency databases. In summary, NM_000372.4(TYR):c.1110G>A(M370I) is a missense variant that has been observed more frequently in cases with the relevant disease than in healthy populations. Please note: this variant was assessed in the context of healthy population screening.

Laboratory of Genetic Epidemiology, Research Centre for Medical Genetics
Classification: Likely pathogenic for Oculocutaneous albinism type 1A; Oculocutaneous albinism type 1B. Last evaluated: 2025-01-01. Review status: criteria provided, single submitter. Criteria: ACMG Guidelines, 2015. Collection method: clinical testing. Allele origin: unknown. Inheritance: Autosomal recessive inheritance. Affected: yes. Observed: 1 heterozygote.
Comment: This variant has been previously reported in the literature (PMID: 21541274) and is not listed in gnomAD v3.1.2. The affected amino acid position is evolutionarily conserved and located nearby the important amino acids (His367 - the copper binding site and Asn371 - the N-glycosylation site ) (PMID: 12028580). Multiple in silico prediction tools support a deleterious effect. Taken together, the variant meets the following ACMG/AMP criteria and can be classified as likely pathogenic with PM2, PM1, PM3, PP4 criteria.

Fulgent Genetics
Classification: Likely pathogenic for Oculocutaneous albinism type 1A; SKIN/HAIR/EYE PIGMENTATION 3, LIGHT/DARK SKIN; Oculocutaneous albinism type 1B. Last evaluated: 2024-04-15. Review status: criteria provided, single submitter. Criteria: ACMG Guidelines, 2015. Collection method: clinical testing. Allele origin: germline.

Foundation for Research in Genetics and Endocrinology, FRIGE's Institute of Human Genetics
Classification: Pathogenic for Oculocutaneous albinism type 1A. Last evaluated: 2019-02-27. Review status: criteria provided, single submitter. Criteria: ACMG Guidelines, 2015. Collection method: clinical testing. Allele origin: de novo. Inheritance: Autosomal recessive inheritance. Affected: yes. Observed: 1 compound heterozygote.
Comment: The observed variant NM_000372.4:c.1110G>A (M370I) is a de novo missense variation found in exon 3 of the TYR gene. It has been reported in the gnomAD database with an allele frequency of 0.00000407. The in silico prediction of this variant is disease causing by MutationTaster2. In summary, the variant meets the ACMG criteria to be classified as likely pathogenic based upon the evidence stated above.

Literature cited by the submitters: PubMed 21541274 (cited by Myriad Genetics, Inc. and Laboratory of Genetic Epidemiology, Research Centre for Medical Genetics); PubMed 41428507 (cited by Myriad Genetics, Inc. and Laboratory of Genetic Epidemiology, Research Centre for Medical Genetics); PubMed 12028580 (cited by Laboratory of Genetic Epidemiology, Research Centre for Medical Genetics).

NM_000372.5(TYR):c.1110G>A (p.Met370Ile)

Gene: TYR (tyrosinase; plus strand). Cytogenetic location: 11q14.3.
Variant type: single nucleotide variant.
Coding change: c.1110G>A on transcript NM_000372.5 (MANE Select); coding-DNA position 1110, G replaced by A.
Protein change: p.Met370Ile; replaces methionine 370 with isoleucine.
Molecular consequence: missense variant.
Genome position (GRCh38, 1-based): chr11:89,227,896, G>A. VCF-style: chr11-89227896-G-A. GRCh37 (hg19) VCF-style: chr11-88961064-G-A.
Other names: short protein forms M370I.
Identifiers: ClinVar variation 625851 (VCV000625851.6), dbSNP rs1207709557, ClinGen allele CA382028601.
Genomic context (GRCh38, chr11:89,227,896, plus strand): 5'-ACTTACTGGGATAGCGGATGCCTCTCAAAGCAGCATGCACAATGCCTTGCACATCTATAT[G>A]AATGGAACAATGTCCCAGGTACAGGGATCTGCCAACGATCCTATCTTCCTTCTTCACCAT-3'
Protein context (NP_000363.1, residues 360-380): SSMHNALHIY[Met370Ile]NGTMSQVQGS